The following is an entry in ClinVar:

NM_001371596.2(MFSD8):c.356G>A (p.Cys119Tyr)

Gene: MFSD8 (major facilitator superfamily domain containing 8; minus strand). Cytogenetic location: 4q28.2.
Variant type: single nucleotide variant.
Coding change: c.356G>A on transcript NM_001371596.2 (MANE Select); coding-DNA position 356, G replaced by A.
Protein change: p.Cys119Tyr; replaces cysteine 119 with tyrosine.
Molecular consequence: missense variant.
Genome position (GRCh38, 1-based): chr4:127,943,835, C>T on the plus strand (G>A on the coding strand, the complement: MFSD8 is on the minus strand). VCF-style: chr4-127943835-C-T. GRCh37 (hg19) VCF-style: chr4-128864990-C-T.
Other names: c.356G>A, p.Cys119Tyr (NM_001363520.3, NM_001363521.3, NM_001371591.2 and 5 more transcripts); c.221G>A, p.Cys74Tyr (NM_001371590.2, NM_001371595.1, NM_001410765.1); short protein forms C119Y, C74Y.
Identifiers: ClinVar variation 2046025 (VCV002046025.1), dbSNP rs2546166199, ClinGen allele CA358176823.

ClinVar aggregate classification (germline): Uncertain significance (1 of 4 stars; one submission).

Conditions:
Neuronal ceroid lipofuscinosis 7 (CLN7). Also called: MFSD8-Related Neuronal Ceroid-Lipofuscinosis. Identifiers: Orphanet 168491, Orphanet 228366, MedGen C1838571, MONDO:0012588, OMIM 610951.

Allele frequency attached by ClinVar (database versions not stated): gnomAD exomes below 0.00001.
gnomAD v4.1: 3 of 1,614,134 alleles (0.00019%); highest among the groups gnomAD compares: Non-Finnish European, 0.00025%; no homozygotes.

Submission:

Labcorp Genetics (formerly Invitae), Labcorp
Classification: Uncertain significance for Neuronal ceroid lipofuscinosis 7. Last evaluated: 2022-03-27. Review status: criteria provided, single submitter. Criteria: Invitae Variant Classification Sherloc (09022015). Collection method: clinical testing. Allele origin: germline.
Comment: This sequence change replaces cysteine, which is neutral and slightly polar, with tyrosine, which is neutral and polar, at codon 119 of the MFSD8 protein (p.Cys119Tyr). This variant is not present in population databases (gnomAD no frequency). This variant has not been reported in the literature in individuals affected with MFSD8-related conditions. Algorithms developed to predict the effect of missense changes on protein structure and function are either unavailable or do not agree on the potential impact of this missense change (SIFT: "Tolerated"; PolyPhen-2: "Probably Damaging"; Align-GVGD: "Class C0"). In summary, the available evidence is currently insufficient to determine the role of this variant in disease. Therefore, it has been classified as a Variant of Uncertain Significance.